The following is an entry in ClinVar:

ClinVar aggregate classification (germline): Uncertain significance (1 of 4 stars; one submission).

Conditions:
Hereditary cancer-predisposing syndrome. Also called: Neoplastic Syndromes, Hereditary; Tumor predisposition; Hereditary Cancer Syndrome; Hereditary neoplastic syndrome. Identifiers: Orphanet 140162, MedGen C0027672, MeSH D009386, MONDO:0015356.

Submission:

Ambry Genetics
Classification: Uncertain significance for Hereditary cancer-predisposing syndrome. Last evaluated: 2022-05-24. Review status: criteria provided, single submitter. Criteria: Ambry Variant Classification Scheme 2023. Collection method: clinical testing. Allele origin: germline.
Comment: The p.D237G variant (also known as c.710A>G), located in coding exon 6 of the SUFU gene, results from an A to G substitution at nucleotide position 710. The aspartic acid at codon 237 is replaced by glycine, an amino acid with similar properties. This amino acid position is conserved. In addition, this alteration is predicted to be deleterious by in silico analysis. Since supporting evidence is limited at this time, the clinical significance of this alteration remains unclear.

NM_016169.4(SUFU):c.710A>G (p.Asp237Gly)

Gene: SUFU (SUFU negative regulator of hedgehog signaling; plus strand). Cytogenetic location: 10q24.32.
Variant type: single nucleotide variant.
Coding change: c.710A>G on transcript NM_016169.4 (MANE Select); coding-DNA position 710, A replaced by G.
Protein change: p.Asp237Gly; replaces aspartic acid 237 with glycine.
Molecular consequence: missense variant.
Genome position (GRCh38, 1-based): chr10:102,594,019, A>G. VCF-style: chr10-102594019-A-G. GRCh37 (hg19) VCF-style: chr10-104353776-A-G.
Other names: c.710A>G, p.Asp237Gly (NM_001178133.2); short protein forms D237G.
Identifiers: ClinVar variation 1757204 (VCV001757204.2), dbSNP rs2063434315, ClinGen allele CA377909782.